The following is an entry in ClinVar:

ClinVar aggregate classification (germline): Pathogenic (1 of 4 stars; one submission).

Conditions:
Zellweger spectrum disorders (ZS). Also called: Zellweger Spectrum Disorder (ZSD); Zellweger syndrome; Zellweger Spectrum Disorder; Zellweger Spectrum. Identifiers: Orphanet 912, MedGen C0043459, MONDO:0019609.

Submission:

Natera, Inc.
Classification: Pathogenic for Zellweger syndrome. Last evaluated: 2024-11-08. Review status: criteria provided, single submitter. Criteria: Natera Variant Classification Schema (03/2026). Collection method: clinical testing. Allele origin: germline.
Comment: The c.473-1G>T variant in PEX1 is a canonical splice acceptor site variant predicted to affect pre-mRNA splicing, which may result in an abnormal transcript and altered protein product. This variant is expected to result in nonsense mediated decay, truncation, or a dysfunctional protein product. This variant is rare in the general population with a frequency below the threshold expected for the associated phenotype(s). Another variant at this same site results in an alteration predicted to cause a similar molecular effect has been observed in individual(s) with the associated phenotype. Given the available evidence, this variant is classified as Pathogenic.

NM_000466.3(PEX1):c.473-1G>T

Gene: PEX1 (peroxisomal biogenesis factor 1; minus strand). Cytogenetic location: 7q21.2.
Variant type: single nucleotide variant.
Coding change: c.473-1G>T on transcript NM_000466.3 (MANE Select); the canonical splice acceptor site of the intron before coding-DNA position 473, G replaced by T.
Molecular consequence: splice acceptor variant.
Genome position (GRCh38, 1-based): chr7:92,518,043, C>A on the plus strand (G>T on the coding strand, the complement: PEX1 is on the minus strand). VCF-style: chr7-92518043-C-A. GRCh37 (hg19) VCF-style: chr7-92147357-C-A.
Other names: c.473-1G>T (NM_001282677.2); c.-152-1G>T (NM_001282678.2).
Identifiers: ClinVar variation 4818413 (VCV004818413.1).